The following is an entry in ClinVar:

ClinVar aggregate classification (germline): Uncertain significance (1 of 4 stars; one submission).

Allele frequency attached by ClinVar (database versions not stated): gnomAD exomes below 0.00001; TOPMed below 0.00001.
gnomAD v4.1: 4 of 1,608,300 alleles (0.00025%); highest among the groups gnomAD compares: Non-Finnish European, 0.00034%; no homozygotes.

Submission:

Labcorp Genetics (formerly Invitae), Labcorp
Classification: Uncertain significance. Last evaluated: 2021-12-20. Review status: criteria provided, single submitter. Criteria: Invitae Variant Classification Sherloc (09022015). Collection method: clinical testing. Allele origin: germline.
Comment: In summary, the available evidence is currently insufficient to determine the role of this variant in disease. Therefore, it has been classified as a Variant of Uncertain Significance. Advanced modeling of protein sequence and biophysical properties (such as structural, functional, and spatial information, amino acid conservation, physicochemical variation, residue mobility, and thermodynamic stability) performed at Invitae indicates that this missense variant is not expected to disrupt SI protein function. This variant has not been reported in the literature in individuals affected with SI-related conditions. This variant is not present in population databases (gnomAD no frequency). This sequence change replaces asparagine, which is neutral and polar, with serine, which is neutral and polar, at codon 938 of the SI protein (p.Asn938Ser).

NM_001041.4(SI):c.2813A>G (p.Asn938Ser)

Gene: SI (sucrase-isomaltase; minus strand). Cytogenetic location: 3q26.1.
Variant type: single nucleotide variant.
Coding change: c.2813A>G on transcript NM_001041.4 (MANE Select); coding-DNA position 2813, A replaced by G.
Protein change: p.Asn938Ser; replaces asparagine 938 with serine.
Molecular consequence: missense variant.
Genome position (GRCh38, 1-based): chr3:165,030,791, T>C on the plus strand (A>G on the coding strand, the complement: SI is on the minus strand). VCF-style: chr3-165030791-T-C. GRCh37 (hg19) VCF-style: chr3-164748579-T-C.
Other names: short protein forms N938S.
Identifiers: ClinVar variation 2050563 (VCV002050563.4), dbSNP rs1712187137, ClinGen allele CA355045320.